The following is an entry in ClinVar:

NM_001848.3(COL6A1):c.2873C>A (p.Ala958Asp)

Gene: COL6A1 (collagen type VI alpha 1 chain; plus strand). Cytogenetic location: 21q22.3.
Variant type: single nucleotide variant.
Coding change: c.2873C>A on transcript NM_001848.3 (MANE Select); coding-DNA position 2873, C replaced by A.
Protein change: p.Ala958Asp; replaces alanine 958 with aspartic acid.
Molecular consequence: missense variant.
Genome position (GRCh38, 1-based): chr21:46,003,799, C>A. VCF-style: chr21-46003799-C-A. GRCh37 (hg19) VCF-style: chr21-47423713-C-A.
Other names: p.Ala958Asp; short protein forms A958D.
Identifiers: ClinVar variation 284877 (VCV000284877.68), dbSNP rs763228065, ClinGen allele CA10071056.

ClinVar aggregate classification (germline): Conflicting classifications of pathogenicity. Review status: criteria provided, conflicting classifications (1 of 4 stars). 7 submissions from 7 submitters: Uncertain significance (6); Likely benign (1). Last evaluated 2026-07-01.

Conditions:
Bethlem myopathy 1A. Also called: Bethlem Muscular Dystrophy; MYOPATHY, BENIGN CONGENITAL, WITH CONTRACTURES; Bethlem myopathy 1. Identifiers: Orphanet 610, MedGen CN029274, MONDO:0024530, OMIM 158810.
Ullrich congenital muscular dystrophy 1A. Also called: Intermediate COL6-RD; Ullrich congenital muscular dystrophy 1. Identifiers: Orphanet 75840, MedGen C0410179, MONDO:0009681, OMIM 254090.

Allele frequency attached by ClinVar (database versions not stated): TOPMed 0.00023.
gnomAD v4.1: 175 of 1,609,382 alleles (0.011%); highest among the groups gnomAD compares: Middle Eastern, 0.05%; no homozygotes.

Submissions (7):

CeGaT Center for Human Genetics Tuebingen
Classification: Uncertain significance. Last evaluated: 2026-07-01. Review status: criteria provided, single submitter. Criteria: CeGaT Center For Human Genetics Tuebingen Variant Classification Criteria Version 2. Collection method: clinical testing. Allele origin: germline. Affected: yes. Observed: 2 variant alleles.
Comment: COL6A1: PM2, PP3

Labcorp Genetics (formerly Invitae), Labcorp
Classification: Likely benign for Bethlem myopathy 1A. Last evaluated: 2025-12-08. Review status: criteria provided, single submitter. Criteria: Invitae Variant Classification Sherloc (09022015). Collection method: clinical testing. Allele origin: germline.

Mayo Clinic Laboratories, Mayo Clinic
Classification: Uncertain significance. Last evaluated: 2025-08-08. Review status: criteria provided, single submitter. Criteria: ACMG Guidelines, 2015. Collection method: clinical testing. Allele origin: germline. Observed: 3 variant alleles.

GeneDx
Classification: Uncertain significance. Last evaluated: 2025-05-02. Review status: criteria provided, single submitter. Criteria: GeneDx Variant Classification Process June 2021. Collection method: clinical testing. Allele origin: germline. Affected: yes.
Comment: Reported previously as a heterozygous variant of uncertain significance in a patient with joint retractions, congenital dislocation of the hip, spinal deformities, keloids, follicular hyperkeratosis, and dystrophic biopsy (PMID: 32065942); In silico analysis supports that this missense variant has a deleterious effect on protein structure/function; This variant is associated with the following publications: (PMID: 30564623, 32065942)

Fulgent Genetics
Classification: Uncertain significance for Bethlem myopathy 1A; Ullrich congenital muscular dystrophy 1A. Last evaluated: 2024-02-28. Review status: criteria provided, single submitter. Criteria: ACMG Guidelines, 2015. Collection method: clinical testing. Allele origin: germline.

Revvity Omics, Revvity
Classification: Uncertain significance. Last evaluated: 2022-08-18. Review status: criteria provided, single submitter. Criteria: ACMG Guidelines, 2015. Collection method: clinical testing. Allele origin: germline.

Eurofins Ntd Llc (ga)
Classification: Uncertain significance. Last evaluated: 2016-12-25. Review status: criteria provided, single submitter. Criteria: EGL Classification Definitions 2015. Collection method: clinical testing. Allele origin: germline. Observed: 4 variant alleles, 4 heterozygotes.

Literature cited by the submitters: PubMed 32065942 (cited by Mayo Clinic Laboratories, Mayo Clinic).